The following is an entry in ClinVar:

NM_001349798.2(FBXW7):c.509G>A (p.Arg170Lys)

Gene: FBXW7 (F-box and WD repeat domain containing 7; minus strand). Cytogenetic location: 4q31.3.
Variant type: single nucleotide variant.
Coding change: c.509G>A on transcript NM_001349798.2 (MANE Select); coding-DNA position 509, G replaced by A.
Protein change: p.Arg170Lys; replaces arginine 170 with lysine.
Molecular consequence: missense variant.
Genome position (GRCh38, 1-based): chr4:152,350,117, C>T on the plus strand (G>A on the coding strand, the complement: FBXW7 is on the minus strand). VCF-style: chr4-152350117-C-T. GRCh37 (hg19) VCF-style: chr4-153271269-C-T.
Other names: c.155G>A, p.Arg52Lys (NM_001013415.2); c.269G>A, p.Arg90Lys (NM_018315.5); c.509G>A, p.Arg170Lys (NM_033632.3); short protein forms R170K, R52K, R90K.
Identifiers: ClinVar variation 5017975 (VCV005017975.1).

ClinVar aggregate classification (germline): Uncertain significance (1 of 4 stars; one submission).

gnomAD v4.1: 1 of 1,549,940 alleles (0.000065%); highest among the groups gnomAD compares: Non-Finnish European, 0.000088%; no homozygotes.

Submission:

GeneDx
Classification: Uncertain significance. Last evaluated: 2026-03-30. Review status: criteria provided, single submitter. Criteria: GeneDx Variant Classification Process June 2021. Collection method: clinical testing. Allele origin: germline.
Comment: Not observed at significant frequency in large population cohorts (gnomAD); In silico analysis suggests that this missense variant does not alter protein structure/function; Has not been previously published as pathogenic or benign to our knowledge